The following is an entry in ClinVar:

ClinVar aggregate classification (germline): Pathogenic (1 of 4 stars; one submission).

Submission:

GeneDx
Classification: Pathogenic. Last evaluated: 2023-11-08. Review status: criteria provided, single submitter. Criteria: GeneDx Variant Classification Process June 2021. Collection method: clinical testing. Allele origin: germline. Affected: yes.
Comment: Identified in a patient with sporadic aortic dissection in published literature (Tan et al., 2017); Not observed at significant frequency in large population cohorts (gnomAD); Frameshift variant predicted to result in protein truncation or nonsense mediated decay in a gene for which loss of function is a known mechanism of disease; This variant is associated with the following publications: (PMID: 28973303)

NM_000138.5(FBN1):c.3583dup (p.Cys1195fs)

Gene: FBN1 (fibrillin 1; minus strand). Cytogenetic location: 15q21.1.
Variant type: Duplication.
Coding change: c.3583dup on transcript NM_000138.5 (MANE Select); coding-DNA position 3583, one base duplicated (T; older notation c.3583dupT).
Protein change: p.Cys1195fs; shifts the reading frame from cysteine 1195.
Molecular consequence: frameshift variant.
Genome position (GRCh38, 1-based): chr15:48,487,081, A duplicated on the plus strand (T on the coding strand, the reverse complement: FBN1 is on the minus strand); the first of 4 consecutive A bases (chr15:48,487,081-48,487,084); duplicating any one gives the same sequence. VCF-style (leftmost placement, unchanged base first): chr15-48487080-C-CA. GRCh37 (hg19) VCF-style: chr15-48779277-C-CA.
Other names: c.3583dup, p.Cys1195fs (NM_001406716.1); c.3583dup (NM_000138.4); short protein forms C1195fs.
Identifiers: ClinVar variation 2662934 (VCV002662934.1), dbSNP rs2141293095, ClinGen allele CA2695197282.